The following is an entry in ClinVar:

NM_004100.5(EYA4):c.233C>A (p.Thr78Lys)

Gene: EYA4 (EYA transcriptional coactivator and phosphatase 4; plus strand). Cytogenetic location: 6q23.2.
Variant type: single nucleotide variant.
Coding change: c.233C>A on transcript NM_004100.5 (MANE Select); coding-DNA position 233, C replaced by A.
Protein change: p.Thr78Lys; replaces threonine 78 with lysine.
Molecular consequence: missense variant. On other transcripts: intron variant (4).
Genome position (GRCh38, 1-based): chr6:133,448,135, C>A. VCF-style: chr6-133448135-C-A. GRCh37 (hg19) VCF-style: chr6-133769273-C-A.
Other names: c.233C>A, p.Thr78Lys (NM_001301013.2, NM_172105.4); c.208+1381C>A (NM_001370458.1, NM_172103.4, NM_001370459.1 and 1 more transcripts); short protein forms T78K.
Identifiers: ClinVar variation 4841640 (VCV004841640.1).
Genomic context (GRCh38, chr6:133,448,135, plus strand): 5'-TCAGACAATGAACTTTTATACTGTTCCTGTTCTCAGGGGAAAACATGACTGTTTTAAACA[C>A]AGCAGACTGGTTGCTGAGTTGCAACACCCCCTCTTCTGCAACAAGTATGAGAGATGCTGG-3'
Protein context (NP_004091.3, residues 68-88): TGGENMTVLN[Thr78Lys]ADWLLSCNTP

ClinVar aggregate classification (germline): Uncertain significance (1 of 4 stars; one submission).

Conditions:
Cardiovascular phenotype. Identifiers: MedGen CN230736.

Submission:

Ambry Genetics
Classification: Uncertain significance for Cardiovascular phenotype. Last evaluated: 2026-01-02. Review status: criteria provided, single submitter. Criteria: Ambry Variant Classification Scheme 2023. Collection method: clinical testing. Allele origin: germline.
Comment: The p.T78K variant (also known as c.233C>A), located in coding exon 4 of the EYA4 gene, results from a C to A substitution at nucleotide position 233. The threonine at codon 78 is replaced by lysine, an amino acid with similar properties. This amino acid position is conserved. In addition, this alteration is predicted to be deleterious by in silico analysis. Based on the available evidence, the clinical significance of this variant remains unclear.